The following is an entry in ClinVar:

NM_022095.4(ZNF335):c.1076G>A (p.Arg359His)

Gene: ZNF335 (zinc finger protein 335; minus strand). Cytogenetic location: 20q13.12.
Variant type: single nucleotide variant.
Coding change: c.1076G>A on transcript NM_022095.4 (MANE Select); coding-DNA position 1076, G replaced by A.
Protein change: p.Arg359His; replaces arginine 359 with histidine.
Molecular consequence: missense variant.
Genome position (GRCh38, 1-based): chr20:45,965,654, C>T on the plus strand (G>A on the coding strand, the complement: ZNF335 is on the minus strand). VCF-style: chr20-45965654-C-T. GRCh37 (hg19) VCF-style: chr20-44594293-C-T.
Other names: c.1076G>A (NM_022095.3); short protein forms R359H.
Identifiers: ClinVar variation 1544935 (VCV001544935.10), dbSNP rs200466540, ClinGen allele CA9885845.

ClinVar aggregate classification (germline): Conflicting classifications of pathogenicity. Review status: criteria provided, conflicting classifications (1 of 4 stars). 3 submissions from 3 submitters: Uncertain significance (1); Likely benign (2). Last evaluated 2026-01-05.

Conditions:
ZNF335-related disorder. Also called: ZNF335-related condition.
Inborn genetic diseases. Identifiers: MedGen C0950123, MeSH D030342.

Allele frequency attached by ClinVar (database versions not stated): gnomAD 0.00040 and 0.00042; TOPMed 0.00043; ExAC 0.00050; gnomAD exomes 0.00052 and 0.00069; ESP Exome Variant Server 0.00092.
gnomAD v4.1: 1,104 of 1,599,582 alleles (0.069%); highest among the groups gnomAD compares: Admixed American, 0.12%; 2 homozygotes.

Submissions (3):

Labcorp Genetics (formerly Invitae), Labcorp
Classification: Likely benign. Last evaluated: 2026-01-05. Review status: criteria provided, single submitter. Criteria: Invitae Variant Classification Sherloc (09022015). Collection method: clinical testing. Allele origin: germline.

PreventionGenetics, part of Exact Sciences
Classification: Likely benign for ZNF335-related condition. Last evaluated: 2025-12-13. Review status: criteria provided, single submitter. Criteria: ACMG Guidelines, 2015. Collection method: clinical testing. Allele origin: germline.
Comment: This variant is classified as likely benign based on ACMG/AMP sequence variant interpretation guidelines (Richards et al. 2015 PMID: 25741868, with internal and published modifications).

Ambry Genetics
Classification: Uncertain significance for Inborn genetic diseases. Last evaluated: 2024-11-09. Review status: criteria provided, single submitter. Criteria: Ambry Variant Classification Scheme 2023. Collection method: clinical testing. Allele origin: germline.